The following is an entry in ClinVar:

NM_001458.5(FLNC):c.5000C>G (p.Thr1667Arg)

Gene: FLNC (filamin C; plus strand). Cytogenetic location: 7q32.1.
Variant type: single nucleotide variant.
Coding change: c.5000C>G on transcript NM_001458.5 (MANE Select); coding-DNA position 5000, C replaced by G.
Protein change: p.Thr1667Arg; replaces threonine 1667 with arginine.
Molecular consequence: missense variant.
Genome position (GRCh38, 1-based): chr7:128,849,379, C>G. VCF-style: chr7-128849379-C-G. GRCh37 (hg19) VCF-style: chr7-128489433-C-G.
Other names: c.5000C>G, p.Thr1667Arg (NM_001127487.2); short protein forms T1667R.
Identifiers: ClinVar variation 2944294 (VCV002944294.3), dbSNP rs753945728, ClinGen allele CA369203964.

ClinVar aggregate classification (germline): Uncertain significance (1 of 4 stars; one submission).

Conditions:
Hypertrophic cardiomyopathy 26. Also called: Cardiomyopathy, familial hypertrophic, 26. Identifiers: Orphanet 75249, MedGen C4310749, MONDO:0014883, OMIM 617047.
Myofibrillar myopathy 5. Also called: Filaminopathy (type); FILAMINOPATHY, AUTOSOMAL DOMINANT. Identifiers: Orphanet 171445, MedGen C1836050, MONDO:0012289, OMIM 609524.
Distal myopathy with posterior leg and anterior hand involvement. Also called: WILLIAMS DISTAL MYOPATHY. Identifiers: Orphanet 63273, MedGen C3279722, MONDO:0013550, OMIM 614065.

Submission:

Labcorp Genetics (formerly Invitae), Labcorp
Classification: Uncertain significance for Distal myopathy with posterior leg and anterior hand involvement; Myofibrillar myopathy 5; Hypertrophic cardiomyopathy 26. Last evaluated: 2023-02-14. Review status: criteria provided, single submitter. Criteria: Invitae Variant Classification Sherloc (09022015). Collection method: clinical testing. Allele origin: germline.
Comment: Advanced modeling of protein sequence and biophysical properties (such as structural, functional, and spatial information, amino acid conservation, physicochemical variation, residue mobility, and thermodynamic stability) has been performed at Invitae for this missense variant, however the output from this modeling did not meet the statistical confidence thresholds required to predict the impact of this variant on FLNC protein function. In summary, the available evidence is currently insufficient to determine the role of this variant in disease. Therefore, it has been classified as a Variant of Uncertain Significance. This variant has not been reported in the literature in individuals affected with FLNC-related conditions. This variant is not present in population databases (gnomAD no frequency). This sequence change replaces threonine, which is neutral and polar, with arginine, which is basic and polar, at codon 1667 of the FLNC protein (p.Thr1667Arg).